The following is an entry in ClinVar:

NM_001365951.3(KIF1B):c.5233A>G (p.Ile1745Val)

Gene: KIF1B (kinesin family member 1B; plus strand). Cytogenetic location: 1p36.22.
Variant type: single nucleotide variant.
Coding change: c.5233A>G on transcript NM_001365951.3 (MANE Select); coding-DNA position 5233, A replaced by G.
Protein change: p.Ile1745Val; replaces isoleucine 1745 with valine.
Molecular consequence: missense variant.
Genome position (GRCh38, 1-based): chr1:10,374,990, A>G. VCF-style: chr1-10374990-A-G. GRCh37 (hg19) VCF-style: chr1-10435048-A-G.
Other names: c.5233A>G, p.Ile1745Val (NM_001365952.1); c.5095A>G, p.Ile1699Val (NM_015074.3); short protein forms I1699V, I1745V.
Identifiers: ClinVar variation 3864092 (VCV003864092.1).

ClinVar aggregate classification (germline): Uncertain significance (1 of 4 stars; one submission).

Submission:

Ambry Genetics
Classification: Uncertain significance. Last evaluated: 2025-02-08. Review status: criteria provided, single submitter. Criteria: Ambry Variant Classification Scheme 2023. Collection method: clinical testing. Allele origin: germline.
Comment: The p.I1699V variant (also known as c.5095A>G), located in coding exon 44 of the KIF1B gene, results from an A to G substitution at nucleotide position 5095. The isoleucine at codon 1699 is replaced by valine, an amino acid with highly similar properties. This amino acid position is conserved. In addition, this alteration is predicted to be tolerated by in silico analysis. Based on the available evidence, the clinical significance of this variant remains unclear.